The following is an entry in ClinVar:

ClinVar aggregate classification (germline): Uncertain significance (1 of 4 stars; one submission).

Submission:

Labcorp Genetics (formerly Invitae), Labcorp
Classification: Uncertain significance. Last evaluated: 2026-01-12. Review status: criteria provided, single submitter. Criteria: Invitae Variant Classification Sherloc (09022015). Collection method: clinical testing. Allele origin: germline.
Comment: This sequence change replaces arginine, which is basic and polar, with glycine, which is neutral and non-polar, at codon 1537 of the DSCAML1 protein (p.Arg1537Gly). This variant is not present in population databases (gnomAD no frequency). This variant has not been reported in the literature in individuals affected with DSCAML1-related conditions. An algorithm developed to predict the effect of missense changes on protein structure and function (PolyPhen-2) suggests that this variant is likely to be disruptive. In summary, the available evidence is currently insufficient to determine the role of this variant in disease. Therefore, it has been classified as a Variant of Uncertain Significance.

NM_020693.4(DSCAML1):c.4429C>G (p.Arg1477Gly)

Gene: DSCAML1 (DS cell adhesion molecule like 1; minus strand). Cytogenetic location: 11q23.3.
Variant type: single nucleotide variant.
Coding change: c.4429C>G on transcript NM_020693.4 (MANE Select); coding-DNA position 4429, C replaced by G.
Protein change: p.Arg1477Gly; replaces arginine 1477 with glycine.
Molecular consequence: missense variant.
Genome position (GRCh38, 1-based): chr11:117,437,898, G>C on the plus strand (C>G on the coding strand, the complement: DSCAML1 is on the minus strand). VCF-style: chr11-117437898-G-C. GRCh37 (hg19) VCF-style: chr11-117308614-G-C.
Other names: short protein forms R1477G.
Identifiers: ClinVar variation 4734801 (VCV004734801.1).